The following is an entry in ClinVar:

ClinVar aggregate classification (germline): Likely benign. Review status: criteria provided, single submitter (1 of 4 stars). 2 submissions from 2 submitters: Likely benign (1). 1 of the submissions does not count toward it. Last evaluated 2024-10-22.

Conditions:
Primary ciliary dyskinesia. Also called: Ciliary dyskinesia. Identifiers: Orphanet 244, MedGen C0008780, MONDO:0016575, HP:0012265.
DNAH11-related disorder. Also called: DNAH11-related condition.

Allele frequency attached by ClinVar (database versions not stated): TOPMed below 0.00001.
gnomAD v4.1: 5 of 1,609,016 alleles (0.00031%); highest among the groups gnomAD compares: African/African-American, 0.0013%; no homozygotes.

Submissions (2):

Labcorp Genetics (formerly Invitae), Labcorp
Classification: Likely benign for Primary ciliary dyskinesia. Last evaluated: 2024-10-22. Review status: criteria provided, single submitter. Criteria: Invitae Variant Classification Sherloc (09022015). Collection method: clinical testing. Allele origin: germline.

PreventionGenetics, part of Exact Sciences
Classification: Uncertain significance for DNAH11-related condition. Last evaluated: 2024-02-26. Review status: no assertion criteria provided. Collection method: clinical testing. Allele origin: germline. Not counted in ClinVar's aggregate classification.
Comment: The DNAH11 c.302G>C variant is predicted to result in the amino acid substitution p.Cys101Ser. To our knowledge, this variant has not been reported in the literature. This variant is reported in 0.003% of alleles in individuals of African descent in gnomAD v4. At this time, the clinical significance of this variant is uncertain due to the absence of conclusive functional and genetic evidence.

NM_001277115.2(DNAH11):c.302G>C (p.Cys101Ser)

Gene: DNAH11 (dynein axonemal heavy chain 11; plus strand). Cytogenetic location: 7p15.3.
Variant type: single nucleotide variant.
Coding change: c.302G>C on transcript NM_001277115.2 (MANE Select); coding-DNA position 302, G replaced by C.
Protein change: p.Cys101Ser; replaces cysteine 101 with serine.
Molecular consequence: missense variant.
Genome position (GRCh38, 1-based): chr7:21,543,547, G>C. VCF-style: chr7-21543547-G-C. GRCh37 (hg19) VCF-style: chr7-21583165-G-C.
Other names: c.302G>C, p.Cys101Ser (NM_003777.3); c.302G>C (NM_001277115.1); short protein forms C101S.
Identifiers: ClinVar variation 2894447 (VCV002894447.5), dbSNP rs966907044, ClinGen allele CA155058021.